The following is an entry in ClinVar:

NM_001037333.3(CYFIP2):c.1253C>T (p.Pro418Leu)

Gene: CYFIP2 (cytoplasmic FMR1 interacting protein 2; plus strand). Cytogenetic location: 5q33.3.
Variant type: single nucleotide variant.
Coding change: c.1253C>T on transcript NM_001037333.3 (MANE Select); coding-DNA position 1253, C replaced by T.
Protein change: p.Pro418Leu; replaces proline 418 with leucine.
Molecular consequence: missense variant.
Genome position (GRCh38, 1-based): chr5:157,314,991, C>T. VCF-style: chr5-157314991-C-T. GRCh37 (hg19) VCF-style: chr5-156741999-C-T.
Other names: c.1175C>T, p.Pro392Leu (NM_001291721.2); c.1253C>T, p.Pro418Leu (NM_001291722.2, NM_014376.4); short protein forms P392L, P418L.
Identifiers: ClinVar variation 1312410 (VCV001312410.2), dbSNP rs1433894737, ClinGen allele CA361968518.
Genomic context (GRCh38, chr5:157,314,991, plus strand): 5'-CAGTTGATGGACGTTTGGTTTGTTCCCACTCTCCCCAGTACTCTTGGAAGCTGGTTCATC[C>T]CACAGACAAGTTCTGCAACAAGGACTGTCCTGGCACCGCGGAGGAATATGAGAGAGCCAC-3'
Protein context (NP_001032410.1, residues 408-428): MEVYSWKLVH[Pro418Leu]TDKFCNKDCP

ClinVar aggregate classification (germline): Uncertain significance (1 of 4 stars; one submission).

Allele frequency attached by ClinVar (database versions not stated): gnomAD exomes below 0.00001; gnomAD 0.00001; TOPMed 0.00001.
gnomAD v4.1: 3 of 1,582,958 alleles (0.00019%); highest among the groups gnomAD compares: Non-Finnish European, 0.00026%; no homozygotes.

Submission:

GeneDx
Classification: Uncertain significance. Last evaluated: 2019-09-20. Review status: criteria provided, single submitter. Criteria: GeneDx Variant Classification Process June 2021. Collection method: clinical testing. Allele origin: germline. Affected: yes.
Comment: Not observed in large population cohorts (Lek et al., 2016); In silico analysis, which includes protein predictors and evolutionary conservation, supports a deleterious effect; Has not been previously published as pathogenic or benign to our knowledge